The following is an entry in ClinVar:

NM_000245.4(MET):c.2260A>T (p.Ile754Phe)

Gene: MET (MET proto-oncogene, receptor tyrosine kinase; plus strand). Cytogenetic location: 7q31.2.
Variant type: single nucleotide variant.
Coding change: c.2260A>T on transcript NM_000245.4 (MANE Select); coding-DNA position 2260, A replaced by T.
Protein change: p.Ile754Phe; replaces isoleucine 754 with phenylalanine.
Molecular consequence: missense variant.
Genome position (GRCh38, 1-based): chr7:116,758,616, A>T. VCF-style: chr7-116758616-A-T. GRCh37 (hg19) VCF-style: chr7-116398670-A-T.
Other names: c.2260A>T, p.Ile754Phe (NM_001127500.3, NM_001324401.3); c.970A>T, p.Ile324Phe (NM_001324402.2); short protein forms I754F, I324F.
Identifiers: ClinVar variation 3294374 (VCV003294374.1).

ClinVar aggregate classification (germline): Uncertain significance (1 of 4 stars; one submission).

Conditions:
Hereditary cancer-predisposing syndrome. Also called: Tumor predisposition; Hereditary Cancer Syndrome; Hereditary neoplastic syndrome; Neoplastic Syndromes, Hereditary. Identifiers: Orphanet 140162, MedGen C0027672, MeSH D009386, MONDO:0015356.

Submission:

Ambry Genetics
Classification: Uncertain significance for Hereditary cancer-predisposing syndrome. Last evaluated: 2024-05-30. Review status: criteria provided, single submitter. Criteria: Ambry Variant Classification Scheme 2023. Collection method: clinical testing. Allele origin: germline.
Comment: The p.I754F variant (also known as c.2260A>T), located in coding exon 8 of the MET gene, results from an A to T substitution at nucleotide position 2260. The isoleucine at codon 754 is replaced by phenylalanine, an amino acid with highly similar properties. This amino acid position is conserved. In addition, this alteration is predicted to be tolerated by in silico analysis. Based on the available evidence, the clinical significance of this variant remains unclear.